The following is an entry in ClinVar:

ClinVar aggregate classification (germline): Uncertain significance (1 of 4 stars; one submission).

Conditions:
Stormorken syndrome (STRMK). Also called: THROMBOCYTOPATHY, ASPLENIA, AND MIOSIS. Identifiers: Orphanet 3204, MedGen C1861451, MONDO:0008497, OMIM 185070.
Combined immunodeficiency due to STIM1 deficiency. Also called: STIM1 DEFICIENCY; IMMUNODEFICIENCY 10. Identifiers: Orphanet 169090, Orphanet 317430, MedGen C2748557, MONDO:0013008, OMIM 612783.
Myopathy with tubular aggregates (TAM). Also called: Tubular Aggregate Myopathy. Identifiers: Orphanet 2593, MedGen C0410207, MONDO:0008051.

Allele frequency attached by ClinVar (database versions not stated): gnomAD 0.00001; TOPMed 0.00002.
gnomAD v4.1: 11 of 1,613,254 alleles (0.00068%); highest among the groups gnomAD compares: South Asian, 0.0011%; no homozygotes.

Submission:

Labcorp Genetics (formerly Invitae), Labcorp
Classification: Uncertain significance for Myopathy with tubular aggregates; Combined immunodeficiency due to STIM1 deficiency; Stormorken syndrome. Last evaluated: 2023-11-03. Review status: criteria provided, single submitter. Criteria: Invitae Variant Classification Sherloc (09022015). Collection method: clinical testing. Allele origin: germline.
Comment: This sequence change falls in intron 6 of the STIM1 gene. It does not directly change the encoded amino acid sequence of the STIM1 protein. This variant is present in population databases (rs202150862, gnomAD 0.002%). This variant has not been reported in the literature in individuals affected with STIM1-related conditions. Algorithms developed to predict the effect of sequence changes on RNA splicing suggest that this variant may create or strengthen a splice site. In summary, the available evidence is currently insufficient to determine the role of this variant in disease. Therefore, it has been classified as a Variant of Uncertain Significance.

NM_001382567.1(STIM1):c.792-5C>G

Gene: STIM1 (stromal interaction molecule 1; plus strand). Cytogenetic location: 11p15.4.
Variant type: single nucleotide variant.
Coding change: c.792-5C>G on transcript NM_001382567.1 (MANE Select); 5 bases into the intron before coding-DNA position 792, C replaced by G.
Molecular consequence: intron variant.
Genome position (GRCh38, 1-based): chr11:4,074,497, C>G. VCF-style: chr11-4074497-C-G. GRCh37 (hg19) VCF-style: chr11-4095727-C-G.
Other names: c.570-5C>G (NM_001382578.1, NM_001382575.1, NM_001382576.1 and 5 more transcripts); c.303-5C>G (NM_001382580.1, NM_001382581.1); c.792-5C>G (NM_001382568.1, NM_001277962.2, NM_003156.4 and 2 more transcripts); c.564-5C>G (NM_001382570.1); c.657-5C>G (NM_001382569.1); c.312-5C>G (NM_001382571.1).
Identifiers: ClinVar variation 2948594 (VCV002948594.3), dbSNP rs202150862, ClinGen allele CA5830328.
Genomic context (GRCh38, chr11:4,074,497, plus strand): 5'-CTCATGGCATGTTGGCTGGCACCCCCTTGCCTGGCCTCCTCCAGCTCCCTGCATTGCCCC[C>G]CCAGGCTGCACAAGGCCCAGGAGGAGCACCGCACAGTGGAGGTGGAGAAGGTCCATCTGG-3'